The following is an entry in ClinVar:

NM_001206744.2(TPO):c.769del (p.Ala257fs)

Gene: TPO (thyroid peroxidase; plus strand). Cytogenetic location: 2p25.3.
Variant type: Deletion.
Coding change: c.769del on transcript NM_001206744.2 (MANE Select); coding-DNA position 769, one base deleted (G; older notation c.769delG).
Protein change: p.Ala257fs; shifts the reading frame from alanine 257.
Molecular consequence: frameshift variant.
Genome position (GRCh38, 1-based): chr2:1,456,232, G deleted; the last of 4 consecutive G bases (chr2:1,456,229-1,456,232); deleting any one gives the same sequence. VCF-style (leftmost placement, unchanged base first): chr2-1456228-AG-A. GRCh37 (hg19) VCF-style: chr2-1460000-AG-A.
Other names: c.769del, p.Ala257fs (NM_000547.6, NM_001206745.2, NM_175719.4 and 2 more transcripts); short protein forms A257fs.
Identifiers: ClinVar variation 2695050 (VCV002695050.3), dbSNP rs2545988951, ClinGen allele CA2697547803.

ClinVar aggregate classification (germline): Pathogenic (1 of 4 stars; one submission).

Submission:

Labcorp Genetics (formerly Invitae), Labcorp
Classification: Pathogenic. Last evaluated: 2023-11-11. Review status: criteria provided, single submitter. Criteria: Invitae Variant Classification Sherloc (09022015). Collection method: clinical testing. Allele origin: germline.
Comment: This sequence change creates a premature translational stop signal (p.Ala257Leufs*5) in the TPO gene. It is expected to result in an absent or disrupted protein product. Loss-of-function variants in TPO are known to be pathogenic (PMID: 11061528, 23236987, 25564141). This variant is not present in population databases (gnomAD no frequency). This variant has not been reported in the literature in individuals affected with TPO-related conditions. For these reasons, this variant has been classified as Pathogenic.

Literature cited by the submitters: PubMed 11061528; PubMed 23236987; PubMed 25564141.